The following is an entry in ClinVar:

NM_005188.4(CBL):c.157A>G (p.Lys53Glu)

Genes: CBL (Cbl proto-oncogene; plus strand), LOC130006895 (ATAC-STARR-seq lymphoblastoid silent region 3975; plus strand). Cytogenetic location: 11q23.3.
Variant type: single nucleotide variant.
Coding change: c.157A>G on transcript NM_005188.4 (MANE Select); coding-DNA position 157, A replaced by G.
Protein change: p.Lys53Glu; replaces lysine 53 with glutamic acid.
Molecular consequence: missense variant.
Genome position (GRCh38, 1-based): chr11:119,206,574, A>G. VCF-style: chr11-119206574-A-G. GRCh37 (hg19) VCF-style: chr11-119077284-A-G.
Other names: short protein forms K53E.
Identifiers: ClinVar variation 3224645 (VCV003224645.1), dbSNP rs2496819682, ClinGen allele CA382976459.

ClinVar aggregate classification (germline): Uncertain significance (1 of 4 stars; one submission).

Conditions:
Cardiovascular phenotype. Identifiers: MedGen CN230736.

Allele frequency attached by ClinVar (database versions not stated): gnomAD exomes below 0.00001.
gnomAD v4.1: 2 of 1,549,362 alleles (0.00013%); highest among the groups gnomAD compares: Non-Finnish European, 0.00017%; no homozygotes.

Submission:

Ambry Genetics
Classification: Uncertain significance for Cardiovascular phenotype. Last evaluated: 2024-03-04. Review status: criteria provided, single submitter. Criteria: Ambry Variant Classification Scheme 2023. Collection method: clinical testing. Allele origin: germline.
Comment: The p.K53E variant (also known as c.157A>G), located in coding exon 1 of the CBL gene, results from an A to G substitution at nucleotide position 157. The lysine at codon 53 is replaced by glutamic acid, an amino acid with similar properties. This amino acid position is conserved. In addition, the in silico prediction for this alteration is inconclusive. Based on the available evidence, the clinical significance of this alteration remains unclear.